The following is an entry in ClinVar:

ClinVar aggregate classification (germline): Uncertain significance. Review status: criteria provided, multiple submitters, no conflicts (2 of 4 stars). 5 submissions from 5 submitters: Uncertain significance (5). Last evaluated 2025-10-19.

Conditions:
Rhabdoid tumor predisposition syndrome 2 (RTPS2). Identifiers: Orphanet 231108, Orphanet 69077, MedGen C2750074, MONDO:0013224, OMIM 613325.
Intellectual disability, autosomal dominant 16 (CSS4). Also called: COFFIN-SIRIS SYNDROME 4. Identifiers: Orphanet 1465, MedGen C3553249, MONDO:0013821, OMIM 614609.
Otosclerosis 12. Identifiers: MedGen C5935610, MONDO:0968980, OMIM 620792.
Hereditary cancer-predisposing syndrome. Also called: Neoplastic Syndromes, Hereditary; Hereditary Cancer Syndrome; Tumor predisposition; Hereditary neoplastic syndrome. Identifiers: Orphanet 140162, MedGen C0027672, MeSH D009386, MONDO:0015356.

Allele frequency attached by ClinVar (database versions not stated): gnomAD exomes below 0.00001 and 0.00001; TOPMed below 0.00001.
gnomAD v4.1: 6 of 1,551,036 alleles (0.00039%); highest among the groups gnomAD compares: East Asian, 0.0024%; no homozygotes.

Submissions (5):

Labcorp Genetics (formerly Invitae), Labcorp
Classification: Uncertain significance for Rhabdoid tumor predisposition syndrome 2. Last evaluated: 2025-10-19. Review status: criteria provided, single submitter. Criteria: Invitae Variant Classification Sherloc (09022015). Collection method: clinical testing. Allele origin: germline.
Comment: This sequence change replaces arginine, which is basic and polar, with glutamine, which is neutral and polar, at codon 1650 of the SMARCA4 protein (p.Arg1650Gln). This variant is present in population databases (no rsID available, gnomAD 0.004%). This variant has not been reported in the literature in individuals affected with SMARCA4-related conditions. ClinVar contains an entry for this variant (Variation ID: 573323). Invitae Evidence Modeling of protein sequence and biophysical properties (such as structural, functional, and spatial information, amino acid conservation, physicochemical variation, residue mobility, and thermodynamic stability) indicates that this missense variant is not expected to disrupt SMARCA4 protein function with a negative predictive value of 80%. In summary, the available evidence is currently insufficient to determine the role of this variant in disease. Therefore, it has been classified as a Variant of Uncertain Significance.

Fulgent Genetics
Classification: Uncertain significance for Rhabdoid tumor predisposition syndrome 2; Intellectual disability, autosomal dominant 16; Otosclerosis 12. Last evaluated: 2024-03-17. Review status: criteria provided, single submitter. Criteria: ACMG Guidelines, 2015. Collection method: clinical testing. Allele origin: germline.

Ambry Genetics
Classification: Uncertain significance for Hereditary cancer-predisposing syndrome. Last evaluated: 2024-01-31. Review status: criteria provided, single submitter. Criteria: Ambry Variant Classification Scheme 2023. Collection method: clinical testing. Allele origin: germline.
Comment: The p.R1650Q variant (also known as c.4949G>A), located in coding exon 34 of the SMARCA4 gene, results from a G to A substitution at nucleotide position 4949. The arginine at codon 1650 is replaced by glutamine, an amino acid with highly similar properties. This amino acid position is highly conserved in available vertebrate species. In addition, the in silico prediction for this alteration is inconclusive. Based on the available evidence, the clinical significance of this alteration remains unclear.

GeneDx
Classification: Uncertain significance. Last evaluated: 2023-06-02. Review status: criteria provided, single submitter. Criteria: GeneDx Variant Classification Process June 2021. Collection method: clinical testing. Allele origin: germline. Affected: yes.
Comment: In silico analysis supports that this missense variant does not alter protein structure/function; Has not been previously published as pathogenic or benign to our knowledge

Sema4
Classification: Uncertain significance for Hereditary cancer-predisposing syndrome. Last evaluated: 2021-10-07. Review status: criteria provided, single submitter. Criteria: Sema4 Curation Guidelines. Collection method: curation. Allele origin: germline.
Comment: The SMARCA4 c.4949G>A (p.R1650Q) variant has not been reported in the literature to our knowledge. It was observed in 1/22756 chromosomes of the South Asian subpopulation in the large and broad cohorts of the Genome Aggregation Database (PMID: 32461654). The variant has been reported in ClinVar (Variation ID 573323). Functional studies have not been performed, and in silico predictions of the variant's effect on protein function are inconclusive. The evidence is insufficient to meet ACMG/AMP criteria for classifying the variant as benign or pathogenic. Thus, the clinical significance of this variant is currently uncertain.

NM_003072.5(SMARCA4):c.4853G>A (p.Arg1618Gln)

Gene: SMARCA4 (SWI/SNF related BAF chromatin remodeling complex subunit ATPase 4; plus strand). Cytogenetic location: 19p13.2.
Variant type: single nucleotide variant.
Coding change: c.4853G>A on transcript NM_003072.5 (MANE Select); coding-DNA position 4853, G replaced by A.
Protein change: p.Arg1618Gln; replaces arginine 1618 with glutamine.
Molecular consequence: missense variant. On other transcripts: non-coding transcript variant (1).
Genome position (GRCh38, 1-based): chr19:11,060,129, G>A. VCF-style: chr19-11060129-G-A. GRCh37 (hg19) VCF-style: chr19-11170805-G-A.
Other names: c.4853G>A, p.Arg1618Gln (NM_001128844.3); c.4763G>A, p.Arg1588Gln (NM_001128845.2); c.4760G>A, p.Arg1587Gln (NM_001128846.2); c.4754G>A, p.Arg1585Gln (NM_001128847.4, NM_001374457.1); c.4751G>A, p.Arg1584Gln (NM_001128848.2); c.4949G>A, p.Arg1650Gln (NM_001128849.3, NM_001387283.1); c.4949G>A (NM_001128849.2); short protein forms R1650Q, R1588Q, R1584Q, R1618Q, R1585Q, R1587Q.
Identifiers: ClinVar variation 573323 (VCV000573323.13), dbSNP rs1029465394, ClinGen allele CA305298962.
Genomic context (GRCh38, chr19:11,060,129, plus strand): 5'-AGCTTGGCCGGAAGGAGAAGGCACAGGACCGGCTGAAGGGCGGCCGGCGGCGGCCGAGCC[G>A]AGGGTCCCGAGCCAAGCCGGTCGTGAGTGACGATGACAGTGAGGAGGAACAAGAGGAGGT-3'
Protein context (NP_003063.2, residues 1608-1628): RLKGGRRRPS[Arg1618Gln]GSRAKPVVSD